The following is an entry in ClinVar:

ClinVar aggregate classification (germline): Uncertain significance (1 of 4 stars; one submission).

gnomAD v4.1: 1 of 1,614,052 alleles (0.000062%); no homozygotes.

Submission:

GeneDx
Classification: Uncertain significance. Last evaluated: 2026-04-14. Review status: criteria provided, single submitter. Criteria: GeneDx Variant Classification Process June 2021. Collection method: clinical testing. Allele origin: germline.
Comment: In silico analysis supports that this missense variant has a deleterious effect on protein structure/function; Has not been previously published as pathogenic or benign to our knowledge

NM_001366145.2(TRPM3):c.1774C>T (p.Arg592Trp)

Gene: TRPM3 (transient receptor potential cation channel subfamily M member 3; minus strand). Cytogenetic location: 9q21.12.
Variant type: single nucleotide variant.
Coding change: c.1774C>T on transcript NM_001366145.2 (MANE Select); coding-DNA position 1774, C replaced by T.
Protein change: p.Arg592Trp; replaces arginine 592 with tryptophan.
Molecular consequence: missense variant.
Genome position (GRCh38, 1-based): chr9:70,625,226, G>A on the plus strand (C>T on the coding strand, the complement: TRPM3 is on the minus strand). VCF-style: chr9-70625226-G-A. GRCh37 (hg19) VCF-style: chr9-73240142-G-A.
Other names: c.1738C>T, p.Arg580Trp (NM_001007471.4, NM_001366150.2, NM_001366151.2); c.1744C>T, p.Arg582Trp (NM_001366141.2, NM_001366143.2); c.1780C>T, p.Arg594Trp (NM_001366142.2); c.1774C>T, p.Arg592Trp (NM_001366146.2, NM_001366149.2); c.1849C>T, p.Arg617Trp (NM_001366147.2, NM_001366148.2, NM_001366152.2); c.1315C>T, p.Arg439Trp (NM_001366154.2, NM_024971.7, NM_206945.5); c.1279C>T, p.Arg427Trp (NM_020952.6, NM_206944.5); c.1354C>T, p.Arg452Trp (NM_206946.5, NM_206947.5); short protein forms R427W, R439W, R452W, R580W, R582W, R592W, R594W, R617W.
Identifiers: ClinVar variation 5037181 (VCV005037181.1).